The following is an entry in ClinVar:

NM_001267550.2(TTN):c.70564G>A (p.Glu23522Lys)

Genes: TTN-AS1 (TTN antisense RNA 1; plus strand), TTN (titin; minus strand), LOC126806422 (BRD4-independent group 4 enhancer GRCh37_chr2:179440205-179441404; plus strand). Cytogenetic location: 2q31.2.
Variant type: single nucleotide variant.
Coding change: c.70564G>A on transcript NM_001267550.2 (MANE Select); coding-DNA position 70564, G replaced by A.
Protein change: p.Glu23522Lys; replaces glutamic acid 23522 with lysine.
Molecular consequence: missense variant.
Genome position (GRCh38, 1-based): chr2:178,575,568, C>T on the plus strand (G>A on the coding strand, the complement: TTN is on the minus strand). VCF-style: chr2-178575568-C-T. GRCh37 (hg19) VCF-style: chr2-179440295-C-T.
Other names: c.65641G>A, p.Glu21881Lys (NM_001256850.1); c.43369G>A, p.Glu14457Lys (NM_003319.4); c.62860G>A, p.Glu20954Lys (NM_133378.4); c.43744G>A, p.Glu14582Lys (NM_133432.3); c.43945G>A, p.Glu14649Lys (NM_133437.4); short protein forms E23522K, E14582K, E20954K, E14457K, E14649K, E21881K.
Identifiers: ClinVar variation 404665 (VCV000404665.5), dbSNP rs561586925, ClinGen allele CA1990763.

ClinVar aggregate classification (germline): Conflicting classifications of pathogenicity. Review status: criteria provided, conflicting classifications (1 of 4 stars). 3 submissions from 3 submitters: Uncertain significance (2); Likely benign (1). Last evaluated 2025-07-22.

Conditions:
TTN-related disorder. Also called: TTN-related disorders; TTN-related condition; TTN-related disease.
Autosomal recessive limb-girdle muscular dystrophy type 2J (LGMDR10). Also called: Limb-girdle muscular dystrophy, type 2J; MUSCULAR DYSTROPHY, LIMB-GIRDLE, AUTOSOMAL RECESSIVE 10. Identifiers: Orphanet 140922, MedGen C1837342, MONDO:0012127, OMIM 608807.
Dilated cardiomyopathy 1G (CMD1G). Identifiers: Orphanet 154, MedGen C1858763, MONDO:0011400, OMIM 604145.

Allele frequency attached by ClinVar (database versions not stated): ExAC 0.00001; gnomAD 0.00001 and 0.00002; gnomAD exomes 0.00001 and 0.00002; TOPMed 0.00004; 1000 Genomes Project 30x 0.00016; 1000 Genomes Project 0.00020.
gnomAD v4.1: 12 of 1,613,670 alleles (0.00074%); highest among the groups gnomAD compares: Admixed American, 0.0083%; no homozygotes.

Submissions (3):

PreventionGenetics, part of Exact Sciences
Classification: Uncertain significance for TTN-related condition. Last evaluated: 2025-07-22. Review status: criteria provided, single submitter. Criteria: ACMG Guidelines, 2015. Collection method: clinical testing. Allele origin: germline.
Comment: The TTN c.70564G>A variant is predicted to result in the amino acid substitution p.Glu23522Lys. To our knowledge, this variant has not been reported in the literature. This variant is reported in 0.0087% of alleles in individuals of Latino descent in gnomAD. At this time, the clinical significance of this variant is uncertain due to the absence of conclusive functional and genetic evidence.

Blueprint Genetics
Classification: Likely benign. Last evaluated: 2024-09-20. Review status: criteria provided, single submitter. Criteria: ACMG Guidelines, 2015. Collection method: clinical testing. Allele origin: germline.

Labcorp Genetics (formerly Invitae), Labcorp
Classification: Uncertain significance for Dilated cardiomyopathy 1G; Autosomal recessive limb-girdle muscular dystrophy type 2J. Last evaluated: 2016-12-08. Review status: criteria provided, single submitter. Criteria: Invitae Variant Classification Sherloc (09022015). Collection method: clinical testing. Allele origin: germline.